The following is an entry in ClinVar:

NM_003073.5(SMARCB1):c.629-260G>C

Gene: SMARCB1 (SWI/SNF related BAF chromatin remodeling complex subunit B1; plus strand). Cytogenetic location: 22q11.23.
Variant type: single nucleotide variant.
Coding change: c.629-260G>C on transcript NM_003073.5 (MANE Select); 260 bases into the intron before coding-DNA position 629, G replaced by C.
Molecular consequence: intron variant.
Genome position (GRCh38, 1-based): chr22:23,816,510, G>C. VCF-style: chr22-23816510-G-C. GRCh37 (hg19) VCF-style: chr22-24158697-G-C.
Other names: c.683-260G>C (NM_001362877.2); c.656-260G>C (NM_001317946.2); c.602-260G>C (NM_001007468.3); c.629-260G>C (NM_003073.4).
Identifiers: ClinVar variation 684099 (VCV000684099.3), dbSNP rs2070456, ClinGen allele CA14936148.
Genomic context (GRCh38, chr22:23,816,510, plus strand): 5'-CTGGCCTCGCCTGGATCATCTCATTAGTTGGGATAATCTCATGCGCCCACCCAGCTATGA[G>C]TGGAATGAGGGAAGTGTTTATGGCCATGACCACCCCCAGGGCATGGAGCAGGAGGTCTGT-3'

ClinVar aggregate classification (germline): Benign. Review status: criteria provided, multiple submitters, no conflicts (2 of 4 stars). 3 submissions from 3 submitters: Benign (3). Last evaluated 2025-06-09.

Conditions:
SMARCB1-related disorder. Also called: SMARCB1-related condition; SMARCB1-related disorders.

Allele frequency attached by ClinVar (database versions not stated): 1000 Genomes Project 0.33526; 1000 Genomes Project 30x 0.33620; TOPMed 0.39188; gnomAD 0.39372 and 0.39513.
gnomAD v4.1: 266,626 of 594,908 alleles (45%); highest among the groups gnomAD compares: Admixed American, 53%; 63,762 homozygotes.

Submissions (3):

PreventionGenetics, part of Exact Sciences
Classification: Benign for SMARCB1-related condition. Last evaluated: 2025-06-09. Review status: criteria provided, single submitter. Criteria: ACMG Guidelines, 2015. Collection method: clinical testing. Allele origin: germline.
Comment: This variant is classified as benign based on ACMG/AMP sequence variant interpretation guidelines (Richards et al. 2015 PMID: 25741868, with internal and published modifications).

GeneDx
Classification: Benign. Last evaluated: 2018-06-19. Review status: criteria provided, single submitter. Criteria: GeneDx Variant Classification (06012015). Collection method: clinical testing. Allele origin: germline. Affected: yes.
Comment: This variant is considered likely benign or benign based on one or more of the following criteria: it is a conservative change, it occurs at a poorly conserved position in the protein, it is predicted to be benign by multiple in silico algorithms, and/or has population frequency not consistent with disease.

Breakthrough Genomics
Classification: Benign. Review status: criteria provided, single submitter. Criteria: ACMG Guidelines, 2015. Collection method: not provided. Allele origin: germline. Inheritance: Autosomal dominant inheritance. Affected: yes.